The following is an entry in ClinVar:

ClinVar aggregate classification (germline): Uncertain significance. Review status: criteria provided, multiple submitters, no conflicts (2 of 4 stars). 5 submissions from 5 submitters: Uncertain significance (5). Last evaluated 2026-01-14.

Conditions:
Myofibrillar myopathy 6. Identifiers: Orphanet 199340, MedGen C2751831, MONDO:0013061, OMIM 612954.
Dilated cardiomyopathy 1HH (CMD1HH). Identifiers: Orphanet 154, MedGen C3151293, MONDO:0013479, OMIM 613881.
Primary familial dilated cardiomyopathy (FDC). Also called: Hypokinetic dilated cardiomyopathy, familial; Familial dilated cardiomyopathy. Identifiers: Orphanet 217607, MedGen C0340427, MONDO:0016333.
Cardiovascular phenotype. Identifiers: MedGen CN230736.

Allele frequency attached by ClinVar (database versions not stated): gnomAD 0.00001; TOPMed 0.00001; gnomAD exomes 0.00002.
gnomAD v4.1: 11 of 1,614,004 alleles (0.00068%); highest among the groups gnomAD compares: Non-Finnish European, 0.00093%; no homozygotes.

Submissions (5):

Labcorp Genetics (formerly Invitae), Labcorp
Classification: Uncertain significance for Dilated cardiomyopathy 1HH; Myofibrillar myopathy 6. Last evaluated: 2026-01-14. Review status: criteria provided, single submitter. Criteria: Invitae Variant Classification Sherloc (09022015). Collection method: clinical testing. Allele origin: germline.
Comment: This sequence change replaces cysteine, which is neutral and slightly polar, with tyrosine, which is neutral and polar, at codon 373 of the BAG3 protein (p.Cys373Tyr). This variant is not present in population databases (gnomAD no frequency). This missense change has been observed in individual(s) with dilated cardiomyopathy (PMID: 37652022). ClinVar contains an entry for this variant (Variation ID: 228454). Invitae Evidence Modeling of protein sequence and biophysical properties (such as structural, functional, and spatial information, amino acid conservation, physicochemical variation, residue mobility, and thermodynamic stability) indicates that this missense variant is not expected to disrupt BAG3 protein function with a negative predictive value of 80%. In summary, the available evidence is currently insufficient to determine the role of this variant in disease. Therefore, it has been classified as a Variant of Uncertain Significance.

Ambry Genetics
Classification: Uncertain significance for Cardiovascular phenotype. Last evaluated: 2024-06-28. Review status: criteria provided, single submitter. Criteria: Ambry Variant Classification Scheme 2023. Collection method: clinical testing. Allele origin: germline.
Comment: The p.C373Y variant (also known as c.1118G>A), located in coding exon 4 of the BAG3 gene, results from a G to A substitution at nucleotide position 1118. The cysteine at codon 373 is replaced by tyrosine, an amino acid with highly dissimilar properties. This amino acid position is not well conserved in available vertebrate species. In addition, this alteration is predicted to be tolerated by in silico analysis. Since supporting evidence is limited at this time, the clinical significance of this alteration remains unclear.

Blueprint Genetics
Classification: Uncertain significance. Last evaluated: 2024-03-12. Review status: criteria provided, single submitter. Criteria: ACMG Guidelines, 2015. Collection method: clinical testing. Allele origin: germline.

Molecular Diagnostic Laboratory for Inherited Cardiovascular Disease, Montreal Heart Institute
Classification: Uncertain significance for Primary familial dilated cardiomyopathy. Last evaluated: 2017-01-27. Review status: criteria provided, single submitter. Criteria: ACMG Guidelines, 2015. Collection method: clinical testing. Allele origin: germline. Affected: yes.

Laboratory for Molecular Medicine, Mass General Brigham Personalized Medicine
Classification: Uncertain significance. Last evaluated: 2015-08-10. Review status: criteria provided, single submitter. Criteria: LMM Criteria. Collection method: clinical testing. Allele origin: germline. Observed: 3 variant alleles.
Comment: The p.Cys373Tyr variant in BAG3 has been identified by our laboratory in 2 Cauca sian adults with DCM and was absent from large population studies. Computational prediction tools and conservation analysis suggest that this variant may not im pact the protein, though this information is not predictive enough to rule out p athogenicity. In summary, the clinical significance of the p.Cys373Tyr variant is uncertain.

Literature cited by the submitters: PubMed 37652022 (cited by Labcorp Genetics (formerly Invitae), Labcorp).

NM_004281.4(BAG3):c.1118G>A (p.Cys373Tyr)

Gene: BAG3 (BAG cochaperone 3; plus strand). Cytogenetic location: 10q26.11.
Variant type: single nucleotide variant.
Coding change: c.1118G>A on transcript NM_004281.4 (MANE Select); coding-DNA position 1118, G replaced by A.
Protein change: p.Cys373Tyr; replaces cysteine 373 with tyrosine.
Molecular consequence: missense variant.
Genome position (GRCh38, 1-based): chr10:119,676,672, G>A. VCF-style: chr10-119676672-G-A. GRCh37 (hg19) VCF-style: chr10-121436184-G-A.
Other names: short protein forms C373Y.
Identifiers: ClinVar variation 228454 (VCV000228454.18), dbSNP rs876657745, ClinGen allele CA10576780.